The following is an entry in ClinVar:

NM_001006630.2(CHRM2):c.521G>C (p.Gly174Ala)

Genes: CHRM2 (cholinergic receptor muscarinic 2; plus strand), LOC349160 (uncharacterized LOC349160; minus strand). Cytogenetic location: 7q33.
Variant type: single nucleotide variant.
Coding change: c.521G>C on transcript NM_001006630.2 (MANE Select); coding-DNA position 521, G replaced by C.
Protein change: p.Gly174Ala; replaces glycine 174 with alanine.
Molecular consequence: missense variant.
Genome position (GRCh38, 1-based): chr7:137,015,386, G>C. VCF-style: chr7-137015386-G-C. GRCh37 (hg19) VCF-style: chr7-136700133-G-C.
Other names: c.521G>C, p.Gly174Ala (NM_001378972.1, NM_001378973.1, NM_000739.3 and 6 more transcripts); short protein forms G174A.
Identifiers: ClinVar variation 3605593 (VCV003605593.2).

ClinVar aggregate classification (germline): Uncertain significance (1 of 4 stars; one submission).

gnomAD v4.1: 2 of 1,613,356 alleles (0.00012%); highest among the groups gnomAD compares: Admixed American, 0.0017%; no homozygotes.

Submission:

Labcorp Genetics (formerly Invitae), Labcorp
Classification: Uncertain significance. Last evaluated: 2024-05-13. Review status: criteria provided, single submitter. Criteria: Invitae Variant Classification Sherloc (09022015). Collection method: clinical testing. Allele origin: germline.
Comment: This sequence change replaces glycine, which is neutral and non-polar, with alanine, which is neutral and non-polar, at codon 174 of the CHRM2 protein (p.Gly174Ala). This variant is not present in population databases (gnomAD no frequency). This variant has not been reported in the literature in individuals affected with CHRM2-related conditions. An algorithm developed to predict the effect of missense changes on protein structure and function (PolyPhen-2) suggests that this variant is likely to be disruptive. In summary, the available evidence is currently insufficient to determine the role of this variant in disease. Therefore, it has been classified as a Variant of Uncertain Significance.